The following is an entry in ClinVar:

ClinVar aggregate classification (germline): Uncertain significance. Review status: criteria provided, multiple submitters, no conflicts (2 of 4 stars). 2 submissions from 2 submitters: Uncertain significance (2). Last evaluated 2025-10-24.

Conditions:
Familial hypobetalipoproteinemia 1. Also called: Hypobetalipoproteinemia, normotriglyceridemic; Acanthocytosis with hypobetalipoproteinemia; APOB-Related Familial Hypobetalipoproteinemia. Identifiers: MedGen C4551990, MONDO:0014252, OMIM 615558.
Hypercholesterolemia, autosomal dominant, type B (FHCL2). Also called: Familial Hypercholesterolemia Type B; HYPERCHOLESTEROLEMIA, FAMILIAL, DUE TO LIGAND-DEFECTIVE APOLIPOPROTEIN B; Familial hypercholesterolemia 2; APOB-Related Familial Hypercholesterolemia, Autosomal Dominant; APOLIPOPROTEIN B-100, FAMILIAL DEFECTIVE; APOLIPOPROTEIN B-100, FAMILIAL LIGAND-DEFECTIVE. Identifiers: MedGen C1704417, MONDO:0007751, OMIM 144010.
Cardiovascular phenotype. Identifiers: MedGen CN230736.

Allele frequency attached by ClinVar (database versions not stated): ExAC 0.00001; gnomAD exomes 0.00001 and 0.00002; TOPMed 0.00001.
gnomAD v4.1: 23 of 1,614,150 alleles (0.0014%); highest among the groups gnomAD compares: Non-Finnish European, 0.0019%; no homozygotes.

Submissions (2):

Ambry Genetics
Classification: Uncertain significance for Cardiovascular phenotype. Last evaluated: 2025-10-24. Review status: criteria provided, single submitter. Criteria: Ambry Variant Classification Scheme 2023. Collection method: clinical testing. Allele origin: germline.

Labcorp Genetics (formerly Invitae), Labcorp
Classification: Uncertain significance for Familial hypobetalipoproteinemia 1; Hypercholesterolemia, autosomal dominant, type B. Last evaluated: 2022-05-27. Review status: criteria provided, single submitter. Criteria: Invitae Variant Classification Sherloc (09022015). Collection method: clinical testing. Allele origin: germline.
Comment: This sequence change replaces alanine, which is neutral and non-polar, with aspartic acid, which is acidic and polar, at codon 1144 of the APOB protein (p.Ala1144Asp). This variant is present in population databases (rs758023800, gnomAD 0.002%). This variant has not been reported in the literature in individuals affected with APOB-related conditions. ClinVar contains an entry for this variant (Variation ID: 922444). Algorithms developed to predict the effect of missense changes on protein structure and function are either unavailable or do not agree on the potential impact of this missense change (SIFT: "Deleterious"; PolyPhen-2: "Benign"; Align-GVGD: "Class C0"). In summary, the available evidence is currently insufficient to determine the role of this variant in disease. Therefore, it has been classified as a Variant of Uncertain Significance.

NM_000384.3(APOB):c.3431C>A (p.Ala1144Asp)

Gene: APOB (apolipoprotein B; minus strand). Cytogenetic location: 2p24.1.
Variant type: single nucleotide variant.
Coding change: c.3431C>A on transcript NM_000384.3 (MANE Select); coding-DNA position 3431, C replaced by A.
Protein change: p.Ala1144Asp; replaces alanine 1144 with aspartic acid.
Molecular consequence: missense variant.
Genome position (GRCh38, 1-based): chr2:21,015,447, G>T on the plus strand (C>A on the coding strand, the complement: APOB is on the minus strand). VCF-style: chr2-21015447-G-T. GRCh37 (hg19) VCF-style: chr2-21238319-G-T.
Other names: short protein forms A1144D.
Identifiers: ClinVar variation 922444 (VCV000922444.7), dbSNP rs758023800, ClinGen allele CA058851.